The following is an entry in ClinVar:

NM_001084.5(PLOD3):c.1291G>A (p.Ala431Thr)

Gene: PLOD3 (procollagen-lysine,2-oxoglutarate 5-dioxygenase 3; minus strand). Cytogenetic location: 7q22.1.
Variant type: single nucleotide variant.
Coding change: c.1291G>A on transcript NM_001084.5 (MANE Select); coding-DNA position 1291, G replaced by A.
Protein change: p.Ala431Thr; replaces alanine 431 with threonine.
Molecular consequence: missense variant.
Genome position (GRCh38, 1-based): chr7:101,211,658, C>T on the plus strand (G>A on the coding strand, the complement: PLOD3 is on the minus strand). VCF-style: chr7-101211658-C-T. GRCh37 (hg19) VCF-style: chr7-100854939-C-T.
Other names: short protein forms A431T.
Identifiers: ClinVar variation 1525166 (VCV001525166.6), dbSNP rs529293492, ClinGen allele CA4407747.

ClinVar aggregate classification (germline): Uncertain significance. Review status: criteria provided, multiple submitters, no conflicts (2 of 4 stars). 2 submissions from 2 submitters: Uncertain significance (2). Last evaluated 2022-07-26.

Allele frequency attached by ClinVar (database versions not stated): 1000 Genomes Project 0.00040; 1000 Genomes Project 30x 0.00047; ExAC 0.00003; gnomAD exomes 0.00003.

Submissions (2):

Labcorp Genetics (formerly Invitae), Labcorp
Classification: Uncertain significance. Last evaluated: 2022-07-26. Review status: criteria provided, single submitter. Criteria: Invitae Variant Classification Sherloc (09022015). Collection method: clinical testing. Allele origin: germline.
Comment: This sequence change replaces alanine, which is neutral and non-polar, with threonine, which is neutral and polar, at codon 431 of the PLOD3 protein (p.Ala431Thr). This variant is present in population databases (rs529293492, gnomAD 0.006%). This variant has not been reported in the literature in individuals affected with PLOD3-related conditions. ClinVar contains an entry for this variant (Variation ID: 1525166). Algorithms developed to predict the effect of missense changes on protein structure and function are either unavailable or do not agree on the potential impact of this missense change (SIFT: "Deleterious"; PolyPhen-2: "Benign"; Align-GVGD: "Class C55"). In summary, the available evidence is currently insufficient to determine the role of this variant in disease. Therefore, it has been classified as a Variant of Uncertain Significance.

Breakthrough Genomics
Classification: Uncertain significance. Review status: criteria provided, single submitter. Criteria: ACMG Guidelines, 2015. Collection method: not provided. Allele origin: germline. Inheritance: Autosomal recessive inheritance. Affected: yes.